The following is an entry in ClinVar:

NM_001267550.2(TTN):c.106778T>C (p.Ile35593Thr)

Genes: TTN-AS1 (TTN antisense RNA 1; plus strand), TTN (titin; minus strand). Cytogenetic location: 2q31.2.
Variant type: single nucleotide variant.
Coding change: c.106778T>C on transcript NM_001267550.2 (MANE Select); coding-DNA position 106778, T replaced by C.
Protein change: p.Ile35593Thr; replaces isoleucine 35593 with threonine.
Molecular consequence: missense variant.
Genome position (GRCh38, 1-based): chr2:178,528,973, A>G on the plus strand (T>C on the coding strand, the complement: TTN is on the minus strand). VCF-style: chr2-178528973-A-G. GRCh37 (hg19) VCF-style: chr2-179393700-A-G.
Other names: c.101855T>C, p.Ile33952Thr (NM_001256850.1); c.79583T>C, p.Ile26528Thr (NM_003319.4); c.99074T>C, p.Ile33025Thr (NM_133378.4); c.79958T>C, p.Ile26653Thr (NM_133432.3); c.80159T>C, p.Ile26720Thr (NM_133437.4); short protein forms I33952T, I35593T, I26720T, I33025T, I26653T, I26528T.
Identifiers: ClinVar variation 4786645 (VCV004786645.1).
Genomic context (GRCh38, chr2:178,528,973, plus strand): 5'-GAAAATGCTTTAATCTCAGCATGAGTTCTGACTTCTTCTGATGCCTGTGATGTTTTAGTG[A>G]TTTCCTCATGGACAATGGATTTTTCCAGGGAGGTTGCTGCTGATTTCTTGACTTCTTCAG-3'
Protein context (NP_001254479.2, residues 35583-35603): SLEKSIVHEE[Ile35593Thr]TKTSQASEEV

ClinVar aggregate classification (germline): Uncertain significance (1 of 4 stars; one submission).

Conditions:
Autosomal recessive limb-girdle muscular dystrophy type 2J (LGMDR10). Also called: Limb-girdle muscular dystrophy, type 2J; MUSCULAR DYSTROPHY, LIMB-GIRDLE, AUTOSOMAL RECESSIVE 10. Identifiers: Orphanet 140922, MedGen C1837342, MONDO:0012127, OMIM 608807.
Dilated cardiomyopathy 1G (CMD1G). Identifiers: Orphanet 154, MedGen C1858763, MONDO:0011400, OMIM 604145.

gnomAD v4.1: 1 of 1,613,876 alleles (0.000062%); highest among the groups gnomAD compares: Non-Finnish European, 0.000085%; no homozygotes.

Submission:

Labcorp Genetics (formerly Invitae), Labcorp
Classification: Uncertain significance for Dilated cardiomyopathy 1G; Autosomal recessive limb-girdle muscular dystrophy type 2J. Last evaluated: 2025-11-16. Review status: criteria provided, single submitter. Criteria: Invitae Variant Classification Sherloc (09022015). Collection method: clinical testing. Allele origin: germline.
Comment: This sequence change replaces isoleucine, which is neutral and non-polar, with threonine, which is neutral and polar, at codon 35593 of the TTN protein (p.Ile35593Thr). This variant is not present in population databases (gnomAD no frequency). This variant has not been reported in the literature in individuals affected with TTN-related conditions. Experimental studies and prediction algorithms are not available or were not evaluated, and the functional significance of this variant is currently unknown. This variant is located in the M band of TTN (PMID: 25589632). Non-truncating variants in this region may be relevant for neuromuscular disorders, but have not been definitively shown to cause cardiomyopathy (PMID: 23975875). In summary, the available evidence is currently insufficient to determine the role of this variant in disease. Therefore, it has been classified as a Variant of Uncertain Significance.

Literature cited by the submitters: PubMed 25589632; PubMed 23975875.